The following is an entry in ClinVar:

ClinVar aggregate classification (germline): Uncertain significance. Review status: criteria provided, multiple submitters, no conflicts (2 of 4 stars). 2 submissions from 2 submitters: Uncertain significance (2). Last evaluated 2025-08-30.

Conditions:
Inborn genetic diseases. Identifiers: MedGen C0950123, MeSH D030342.

Allele frequency attached by ClinVar (database versions not stated): ExAC 0.00001; gnomAD 0.00001; gnomAD exomes 0.00001; TOPMed 0.00003.
gnomAD v4.1: 16 of 1,614,048 alleles (0.00099%); highest among the groups gnomAD compares: African/African-American, 0.02%; no homozygotes.

Submissions (2):

Ambry Genetics
Classification: Uncertain significance for Inborn genetic diseases. Last evaluated: 2025-08-30. Review status: criteria provided, single submitter. Criteria: Ambry Variant Classification Scheme 2023. Collection method: clinical testing. Allele origin: germline.

Labcorp Genetics (formerly Invitae), Labcorp
Classification: Uncertain significance. Last evaluated: 2022-04-16. Review status: criteria provided, single submitter. Criteria: Invitae Variant Classification Sherloc (09022015). Collection method: clinical testing. Allele origin: germline.
Comment: This sequence change replaces isoleucine, which is neutral and non-polar, with arginine, which is basic and polar, at codon 286 of the SLC34A1 protein (p.Ile286Arg). This variant is present in population databases (rs775238301, gnomAD 0.03%). This variant has not been reported in the literature in individuals affected with SLC34A1-related conditions. Algorithms developed to predict the effect of missense changes on protein structure and function are either unavailable or do not agree on the potential impact of this missense change (SIFT: "Deleterious"; PolyPhen-2: "Probably Damaging"; Align-GVGD: "Class C0"). In summary, the available evidence is currently insufficient to determine the role of this variant in disease. Therefore, it has been classified as a Variant of Uncertain Significance.

NM_003052.5(SLC34A1):c.857T>G (p.Ile286Arg)

Gene: SLC34A1 (solute carrier family 34 member 1; plus strand). Cytogenetic location: 5q35.3.
Variant type: single nucleotide variant.
Coding change: c.857T>G on transcript NM_003052.5 (MANE Select); coding-DNA position 857, T replaced by G.
Protein change: p.Ile286Arg; replaces isoleucine 286 with arginine.
Molecular consequence: missense variant.
Genome position (GRCh38, 1-based): chr5:177,388,293, T>G. VCF-style: chr5-177388293-T-G. GRCh37 (hg19) VCF-style: chr5-176815294-T-G.
Other names: c.857T>G, p.Ile286Arg (NM_001167579.2); c.857T>G (NM_003052.4); short protein forms I286R.
Identifiers: ClinVar variation 2422122 (VCV002422122.8), dbSNP rs775238301, ClinGen allele CA3580547.